The following is an entry in ClinVar:

ClinVar aggregate classification (germline): Benign/Likely benign. Review status: criteria provided, multiple submitters, no conflicts (2 of 4 stars). 5 submissions from 5 submitters: Benign (1); Likely benign (4). Last evaluated 2026-03-01.

Conditions:
Cardiovascular phenotype. Identifiers: MedGen CN230736.

Allele frequency attached by ClinVar (database versions not stated): ExAC 0.00018; ESP Exome Variant Server 0.00054.
gnomAD v4.1: 355 of 1,612,570 alleles (0.022%); highest among the groups gnomAD compares: Non-Finnish European, 0.027%; no homozygotes.

Submissions (5):

CeGaT Center for Human Genetics Tuebingen
Classification: Likely benign. Last evaluated: 2026-03-01. Review status: criteria provided, single submitter. Criteria: CeGaT Center For Human Genetics Tuebingen Variant Classification Criteria Version 2. Collection method: clinical testing. Allele origin: germline. Affected: yes. Observed: 5 variant alleles.
Comment: EPHB4: BP4, BP7

Labcorp Genetics (formerly Invitae), Labcorp
Classification: Likely benign. Last evaluated: 2025-03-31. Review status: criteria provided, single submitter. Criteria: Invitae Variant Classification Sherloc (09022015). Collection method: clinical testing. Allele origin: germline.

Laboratory of Genetics, Children's Clinical University Hospital Latvia
Classification: Benign. Last evaluated: 2025-02-16. Review status: criteria provided, single submitter. Criteria: ACMG Guidelines, 2015. Collection method: clinical testing. Allele origin: germline. Affected: yes.

Blueprint Genetics
Classification: Likely benign. Last evaluated: 2024-11-22. Review status: criteria provided, single submitter. Criteria: ACMG Guidelines, 2015. Collection method: clinical testing. Allele origin: germline.

Ambry Genetics
Classification: Likely benign for Cardiovascular phenotype. Last evaluated: 2020-09-02. Review status: criteria provided, single submitter. Criteria: Ambry Variant Classification Scheme 2023. Collection method: clinical testing. Allele origin: germline.

NM_004444.5(EPHB4):c.201G>A (p.Pro67=)

Gene: EPHB4 (EPH receptor B4; minus strand). Cytogenetic location: 7q22.1.
Variant type: single nucleotide variant.
Coding change: c.201G>A on transcript NM_004444.5 (MANE Select); coding-DNA position 201, G replaced by A.
Protein change: p.Pro67=; no amino-acid change (proline 67 retained).
Molecular consequence: synonymous variant.
Genome position (GRCh38, 1-based): chr7:100,823,854, C>T on the plus strand (G>A on the coding strand, the complement: EPHB4 is on the minus strand). VCF-style: chr7-100823854-C-T. GRCh37 (hg19) VCF-style: chr7-100421476-C-T.
Identifiers: ClinVar variation 1784525 (VCV001784525.31), dbSNP rs138656609, ClinGen allele CA4393375.